The following is an entry in ClinVar:

NM_001142784.3(IL11RA):c.1073-1G>C

Gene: IL11RA (interleukin 11 receptor subunit alpha; plus strand). Cytogenetic location: 9p13.3.
Variant type: single nucleotide variant.
Coding change: c.1073-1G>C on transcript NM_001142784.3 (MANE Select); the canonical splice acceptor site of the intron before coding-DNA position 1073, G replaced by C.
Molecular consequence: splice acceptor variant.
Genome position (GRCh38, 1-based): chr9:34,660,503, G>C. VCF-style: chr9-34660503-G-C. GRCh37 (hg19) VCF-style: chr9-34660500-G-C.
Identifiers: ClinVar variation 3613498 (VCV003613498.2).

ClinVar aggregate classification (germline): Likely pathogenic (1 of 4 stars; one submission).

gnomAD v4.1: 4 of 1,614,188 alleles (0.00025%); highest among the groups gnomAD compares: Admixed American, 0.005%; no homozygotes.

Submission:

Labcorp Genetics (formerly Invitae), Labcorp
Classification: Likely pathogenic. Last evaluated: 2024-05-08. Review status: criteria provided, single submitter. Criteria: Invitae Variant Classification Sherloc (09022015). Collection method: clinical testing. Allele origin: germline.
Comment: This sequence change affects an acceptor splice site in intron 10 of the IL11RA gene. It is expected to disrupt RNA splicing. Variants that disrupt the donor or acceptor splice site typically lead to a loss of protein function (PMID: 16199547), and loss-of-function variants in IL11RA are known to be pathogenic (PMID: 21741611, 24498618). This variant is present in population databases (rs750277587, gnomAD 0.009%). This variant has not been reported in the literature in individuals affected with IL11RA-related conditions. Algorithms developed to predict the effect of sequence changes on RNA splicing suggest that this variant may disrupt the consensus splice site. In summary, the currently available evidence indicates that the variant is pathogenic, but additional data are needed to prove that conclusively. Therefore, this variant has been classified as Likely Pathogenic.

Literature cited by the submitters: PubMed 16199547; PubMed 21741611; PubMed 24498618.